The following is an entry in ClinVar:

NM_000094.4(COL7A1):c.6772G>A (p.Ala2258Thr)

Gene: COL7A1 (collagen type VII alpha 1 chain; minus strand). Cytogenetic location: 3p21.31.
Variant type: single nucleotide variant.
Coding change: c.6772G>A on transcript NM_000094.4 (MANE Select); coding-DNA position 6772, G replaced by A.
Protein change: p.Ala2258Thr; replaces alanine 2258 with threonine.
Molecular consequence: missense variant.
Genome position (GRCh38, 1-based): chr3:48,572,921, C>T on the plus strand (G>A on the coding strand, the complement: COL7A1 is on the minus strand). VCF-style: chr3-48572921-C-T. GRCh37 (hg19) VCF-style: chr3-48610354-C-T.
Other names: short protein forms A2258T.
Identifiers: ClinVar variation 1936562 (VCV001936562.3), dbSNP rs1483117159, ClinGen allele CA352654813.

ClinVar aggregate classification (germline): Uncertain significance. Review status: criteria provided, multiple submitters, no conflicts (2 of 4 stars). 2 submissions from 2 submitters: Uncertain significance (2). Last evaluated 2025-09-26.

Conditions:
Inborn genetic diseases. Identifiers: MedGen C0950123, MeSH D030342.

Allele frequency attached by ClinVar (database versions not stated): TOPMed below 0.00001; gnomAD exomes 0.00001.
gnomAD v4.1: 9 of 1,613,976 alleles (0.00056%); highest among the groups gnomAD compares: Non-Finnish European, 0.00076%; no homozygotes.

Submissions (2):

Ambry Genetics
Classification: Uncertain significance for Inborn genetic diseases. Last evaluated: 2025-09-26. Review status: criteria provided, single submitter. Criteria: Ambry Variant Classification Scheme 2023. Collection method: clinical testing. Allele origin: germline.

Labcorp Genetics (formerly Invitae), Labcorp
Classification: Uncertain significance. Last evaluated: 2022-08-31. Review status: criteria provided, single submitter. Criteria: Invitae Variant Classification Sherloc (09022015). Collection method: clinical testing. Allele origin: germline.
Comment: This sequence change replaces alanine, which is neutral and non-polar, with threonine, which is neutral and polar, at codon 2258 of the COL7A1 protein (p.Ala2258Thr). This variant is present in population databases (no rsID available, gnomAD 0.003%). This variant has not been reported in the literature in individuals affected with COL7A1-related conditions. Advanced modeling of protein sequence and biophysical properties (such as structural, functional, and spatial information, amino acid conservation, physicochemical variation, residue mobility, and thermodynamic stability) performed at Invitae indicates that this missense variant is not expected to disrupt COL7A1 protein function. In summary, the available evidence is currently insufficient to determine the role of this variant in disease. Therefore, it has been classified as a Variant of Uncertain Significance.